The following is an entry in ClinVar:

ClinVar aggregate classification (germline): Uncertain significance. Review status: criteria provided, multiple submitters, no conflicts (2 of 4 stars). 2 submissions from 2 submitters: Uncertain significance (2). Last evaluated 2022-07-14.

Conditions:
Epileptic encephalopathy. Identifiers: MedGen C0543888, HP:0200134.

Allele frequency attached by ClinVar (database versions not stated): gnomAD 0.00003; gnomAD exomes 0.00003; TOPMed 0.00003; ExAC 0.00004.
gnomAD v4.1: 46 of 1,608,940 alleles (0.0029%); highest among the groups gnomAD compares: Non-Finnish European, 0.0038%; no homozygotes.

Submissions (2):

Ambry Genetics
Classification: Uncertain significance. Last evaluated: 2022-07-14. Review status: criteria provided, single submitter. Criteria: Ambry Variant Classification Scheme 2023. Collection method: clinical testing. Allele origin: germline.

Labcorp Genetics (formerly Invitae), Labcorp
Classification: Uncertain significance for Epileptic encephalopathy. Last evaluated: 2020-05-14. Review status: criteria provided, single submitter. Criteria: Invitae Variant Classification Sherloc (09022015). Collection method: clinical testing. Allele origin: germline.
Comment: Algorithms developed to predict the effect of missense changes on protein structure and function (SIFT, PolyPhen-2, Align-GVGD) all suggest that this variant is likely to be tolerated, but these predictions have not been confirmed by published functional studies and their clinical significance is uncertain. In summary, the available evidence is currently insufficient to determine the role of this variant in disease. Therefore, it has been classified as a Variant of Uncertain Significance. This variant has not been reported in the literature in individuals with RYR3-related conditions. This variant is present in population databases (rs772157944, ExAC 0.008%). This sequence change replaces leucine with phenylalanine at codon 1461 of the RYR3 protein (p.Leu1461Phe). The leucine residue is highly conserved and there is a small physicochemical difference between leucine and phenylalanine.

NM_001036.6(RYR3):c.4381C>T (p.Leu1461Phe)

Gene: RYR3 (ryanodine receptor 3; plus strand). Cytogenetic location: 15q14.
Variant type: single nucleotide variant.
Coding change: c.4381C>T on transcript NM_001036.6 (MANE Select); coding-DNA position 4381, C replaced by T.
Protein change: p.Leu1461Phe; replaces leucine 1461 with phenylalanine.
Molecular consequence: missense variant.
Genome position (GRCh38, 1-based): chr15:33,659,792, C>T. VCF-style: chr15-33659792-C-T. GRCh37 (hg19) VCF-style: chr15-33951993-C-T.
Other names: c.4381C>T, p.Leu1461Phe (NM_001243996.4); c.4381C>T (NM_001036.3); short protein forms L1461F.
Identifiers: ClinVar variation 1063724 (VCV001063724.10), dbSNP rs772157944, ClinGen allele CA7458987.
Genomic context (GRCh38, chr15:33,659,792, plus strand): 5'-ACCAAAGTGTTTCCAGCAGTCTTCCTGCAGCCTACAAGTACTTCTTTGTTTCAGTTTGAA[C>T]TTGGAAAGCTGAAGGTATTTATTTGTCCTCTCATCTAATGGCCATGACAAGAGAAAGCAG-3'
Protein context (NP_001027.3, residues 1451-1471): PTSTSLFQFE[Leu1461Phe]GKLKNAMPLS